The following is an entry in ClinVar:

ClinVar aggregate classification (germline): Uncertain significance. Review status: criteria provided, multiple submitters, no conflicts (2 of 4 stars). 2 submissions from 2 submitters: Uncertain significance (2). Last evaluated 2025-08-04.

gnomAD v4.1: 2 of 1,613,882 alleles (0.00012%); highest among the groups gnomAD compares: Non-Finnish European, 0.00017%; no homozygotes.

Submissions (2):

Labcorp Genetics (formerly Invitae), Labcorp
Classification: Uncertain significance. Last evaluated: 2025-08-04. Review status: criteria provided, single submitter. Criteria: Invitae Variant Classification Sherloc (09022015). Collection method: clinical testing. Allele origin: germline.
Comment: This sequence change replaces threonine, which is neutral and polar, with isoleucine, which is neutral and non-polar, at codon 1893 of the SCN3A protein (p.Thr1893Ile). This variant is not present in population databases (gnomAD no frequency). This variant has not been reported in the literature in individuals affected with SCN3A-related conditions. Invitae Evidence Modeling of protein sequence and biophysical properties (such as structural, functional, and spatial information, amino acid conservation, physicochemical variation, residue mobility, and thermodynamic stability) has been performed for this missense variant. However, the output from this modeling did not meet the statistical confidence thresholds required to predict the impact of this variant on SCN3A protein function. In summary, the available evidence is currently insufficient to determine the role of this variant in disease. Therefore, it has been classified as a Variant of Uncertain Significance.

Blueprint Genetics
Classification: Uncertain significance. Last evaluated: 2019-12-02. Review status: criteria provided, single submitter. Criteria: ACMG Guidelines, 2015. Collection method: clinical testing. Allele origin: germline.

NM_006922.4(SCN3A):c.5678C>T (p.Thr1893Ile)

Gene: SCN3A (sodium voltage-gated channel alpha subunit 3; minus strand). Cytogenetic location: 2q24.3.
Variant type: single nucleotide variant.
Coding change: c.5678C>T on transcript NM_006922.4 (MANE Select); coding-DNA position 5678, C replaced by T.
Protein change: p.Thr1893Ile; replaces threonine 1893 with isoleucine.
Molecular consequence: missense variant.
Genome position (GRCh38, 1-based): chr2:165,090,475, G>A on the plus strand (C>T on the coding strand, the complement: SCN3A is on the minus strand). VCF-style: chr2-165090475-G-A. GRCh37 (hg19) VCF-style: chr2-165946985-G-A.
Other names: c.5531C>T, p.Thr1844Ile (NM_001081676.2, NM_001081677.2); short protein forms T1844I, T1893I.
Identifiers: ClinVar variation 4745719 (VCV004745719.2).